The following is an entry in ClinVar:

NM_003242.6(TGFBR2):c.542C>A (p.Ser181Tyr)

Gene: TGFBR2 (transforming growth factor beta receptor 2; plus strand). Cytogenetic location: 3p24.1.
Variant type: single nucleotide variant.
Coding change: c.542C>A on transcript NM_003242.6 (MANE Select); coding-DNA position 542, C replaced by A.
Protein change: p.Ser181Tyr; replaces serine 181 with tyrosine.
Molecular consequence: missense variant. On other transcripts: intron variant (1).
Genome position (GRCh38, 1-based): chr3:30,671,725, C>A. VCF-style: chr3-30671725-C-A. GRCh37 (hg19) VCF-style: chr3-30713217-C-A.
Other names: c.617C>A, p.Ser206Tyr (NM_001024847.3); c.725C>A, p.Ser242Tyr (NM_001407126.1); c.650C>A, p.Ser217Tyr (NM_001407127.1); c.569C>A, p.Ser190Tyr (NM_001407128.1); c.545C>A, p.Ser182Tyr (NM_001407129.1); c.542C>A, p.Ser181Tyr (NM_001407130.1); c.437C>A, p.Ser146Tyr (NM_001407132.1, NM_001407133.1, NM_001407134.1 and 2 more transcripts); c.257C>A, p.Ser86Tyr (NM_001407137.1); and 2 more; short protein forms S146Y, S181Y, S182Y, S190Y, S206Y, S217Y, S242Y, S61Y.
Identifiers: ClinVar variation 3386064 (VCV003386064.2).
Genomic context (GRCh38, chr3:30,671,725, plus strand): 5'-TGCTAGTCATATTTCAAGTGACAGGCATCAGCCTCCTGCCACCACTGGGAGTTGCCATAT[C>A]TGTCATCATCATCTTCTACTGCTACCGCGTTAACCGGCAGCAGAAGCTGAGTTCAACCTG-3'
Protein context (NP_003233.4, residues 171-191): SLLPPLGVAI[Ser181Tyr]VIIIFYCYRV

ClinVar aggregate classification (germline): Uncertain significance. Review status: criteria provided, multiple submitters, no conflicts (2 of 4 stars). 2 submissions from 2 submitters: Uncertain significance (2). Last evaluated 2024-07-29.

Conditions:
Loeys-Dietz syndrome 2 (LDS2). Also called: TGFBR2-Related Loeys-Dietz Syndrome; AORTIC ANEURYSM, FAMILIAL THORACIC 3; MARFAN SYNDROME, TYPE II; Marfan syndrome, type 2 (formerly); Marfan Syndrome type 2; Marfan like connective tissue disorder. Identifiers: Orphanet 284973, Orphanet 558, MedGen C2674574, MONDO:0012427, OMIM 610168.
Familial thoracic aortic aneurysm and aortic dissection (TAAD). Also called: Thoracic aortic aneurysms and dissections. Identifiers: Orphanet 91387, MedGen C4707243, MONDO:0019625.

Submissions (2):

All of Us Research Program, National Institutes of Health
Classification: Uncertain significance for Loeys-Dietz syndrome 2. Last evaluated: 2024-07-29. Review status: criteria provided, single submitter. Criteria: ACMG Guidelines, 2015. Collection method: clinical testing. Allele origin: germline. Inheritance: Autosomal dominant inheritance. Observed: 1 variant allele, 1 heterozygote.
Comment: This missense variant replaces serine with tyrosine at codon 181 of the TGFBR2 protein. Computational prediction suggests that this variant may not impact protein structure and function (internally defined REVEL score threshold <= 0.5, PMID: 27666373). To our knowledge, functional studies have not been reported for this variant. This variant has not been reported in individuals affected with TGFBR2-related disorders in the literature. This variant has been identified in 1/251256 chromosomes in the general population by the Genome Aggregation Database (gnomAD). The available evidence is insufficient to determine the role of this variant in disease conclusively. Therefore, this variant is classified as a Variant of Uncertain Significance.

This study involves interpretation of variants in research participants for the purpose of population health screening. Participant phenotype was not available at the time of variant classification. Additional details can be found in publication PMID: 35346344, PMCID: PMC8962531

Color Diagnostics, LLC DBA Color Health
Classification: Uncertain significance for Familial thoracic aortic aneurysm and aortic dissection. Last evaluated: 2024-07-16. Review status: criteria provided, single submitter. Criteria: ACMG Guidelines, 2015. Collection method: clinical testing. Allele origin: germline.
Comment: This missense variant replaces serine with tyrosine at codon 181 of the TGFBR2 protein. Computational prediction suggests that this variant may not impact protein structure and function. To our knowledge, functional studies have not been reported for this variant. This variant has not been reported in individuals affected with TGFBR2-related disorders in the literature. This variant has been identified in 1/251256 chromosomes in the general population by the Genome Aggregation Database (gnomAD). The available evidence is insufficient to determine the role of this variant in disease conclusively. Therefore, this variant is classified as a Variant of Uncertain Significance.